The following is an entry in ClinVar:

ClinVar aggregate classification (germline): Uncertain significance (1 of 4 stars; one submission).

Submission:

Labcorp Genetics (formerly Invitae), Labcorp
Classification: Uncertain significance. Last evaluated: 2022-03-20. Review status: criteria provided, single submitter. Criteria: Invitae Variant Classification Sherloc (09022015). Collection method: clinical testing. Allele origin: germline.
Comment: In summary, the available evidence is currently insufficient to determine the role of this variant in disease. Therefore, it has been classified as a Variant of Uncertain Significance. Algorithms developed to predict the effect of missense changes on protein structure and function are either unavailable or do not agree on the potential impact of this missense change (SIFT: "Deleterious"; PolyPhen-2: "Not Available"; Align-GVGD: "Class C0"). This variant has not been reported in the literature in individuals affected with PCLO-related conditions. This variant is not present in population databases (gnomAD no frequency). This sequence change replaces methionine, which is neutral and non-polar, with threonine, which is neutral and polar, at codon 3263 of the PCLO protein (p.Met3263Thr).

NM_033026.6(PCLO):c.9788T>C (p.Met3263Thr)

Gene: PCLO (piccolo presynaptic cytomatrix protein; minus strand). Cytogenetic location: 7q21.11.
Variant type: single nucleotide variant.
Coding change: c.9788T>C on transcript NM_033026.6 (MANE Select); coding-DNA position 9788, T replaced by C.
Protein change: p.Met3263Thr; replaces methionine 3263 with threonine.
Molecular consequence: missense variant.
Genome position (GRCh38, 1-based): chr7:82,950,800, A>G on the plus strand (T>C on the coding strand, the complement: PCLO is on the minus strand). VCF-style: chr7-82950800-A-G. GRCh37 (hg19) VCF-style: chr7-82580116-A-G.
Other names: c.9788T>C, p.Met3263Thr (NM_014510.3); short protein forms M3263T.
Identifiers: ClinVar variation 2115378 (VCV002115378.4), dbSNP rs1330828867, ClinGen allele CA367906590.